The following is an entry in ClinVar:

NM_001267550.2(TTN):c.73158C>A (p.Ile24386=)

Genes: TTN (titin; minus strand), TTN-AS1 (TTN antisense RNA 1; plus strand). Cytogenetic location: 2q31.2.
Variant type: single nucleotide variant.
Coding change: c.73158C>A on transcript NM_001267550.2 (MANE Select); coding-DNA position 73158, C replaced by A.
Protein change: p.Ile24386=; no amino-acid change (isoleucine 24386 retained).
Molecular consequence: synonymous variant.
Genome position (GRCh38, 1-based): chr2:178,572,974, G>T on the plus strand (C>A on the coding strand, the complement: TTN is on the minus strand). VCF-style: chr2-178572974-G-T. GRCh37 (hg19) VCF-style: chr2-179437701-G-T.
Other names: c.68235C>A, p.Ile22745= (NM_001256850.1); c.45963C>A, p.Ile15321= (NM_003319.4); c.65454C>A, p.Ile21818= (NM_133378.4); c.46338C>A, p.Ile15446= (NM_133432.3); c.46539C>A, p.Ile15513= (NM_133437.4).
Identifiers: ClinVar variation 1114146 (VCV001114146.12), dbSNP rs879249050, ClinGen allele CA60999405.
Genomic context (GRCh38, chr2:178,572,974, plus strand): 5'-TCCTTCGGAATTCATGGCATAGATGCGGATCTTATATTCCTGATTCTCTGTGAGGCCAGT[G>T]ATAGTATACGAAGTTGCCTTGAGTCCTGCTGGTGGAGTGACAATCTGCCATTCATCTTCC-3'
Protein context (NP_001254479.2, residues 24376-24396): PAGLKATSYT[Ile24386=]TGLTENQEYK

ClinVar aggregate classification (germline): Likely benign. Review status: criteria provided, multiple submitters, no conflicts (2 of 4 stars). 3 submissions from 3 submitters: Likely benign (3). Last evaluated 2026-03-03.

Conditions:
TTN-related disorder. Also called: TTN-related condition; TTN-related disease; TTN-related disorders.
Cardiovascular phenotype. Identifiers: MedGen CN230736.
Autosomal recessive limb-girdle muscular dystrophy type 2J (LGMDR10). Also called: Limb-girdle muscular dystrophy, type 2J; MUSCULAR DYSTROPHY, LIMB-GIRDLE, AUTOSOMAL RECESSIVE 10. Identifiers: Orphanet 140922, MedGen C1837342, MONDO:0012127, OMIM 608807.
Dilated cardiomyopathy 1G (CMD1G). Identifiers: Orphanet 154, MedGen C1858763, MONDO:0011400, OMIM 604145.

Allele frequency attached by ClinVar (database versions not stated): gnomAD exomes below 0.00001 and 0.00001; gnomAD 0.00003; TOPMed 0.00003.
gnomAD v4.1: 7 of 1,613,072 alleles (0.00043%); highest among the groups gnomAD compares: African/African-American, 0.0093%; no homozygotes.

Submissions (3):

PreventionGenetics, part of Exact Sciences
Classification: Likely benign for TTN-related condition. Last evaluated: 2026-03-03. Review status: criteria provided, single submitter. Criteria: ACMG Guidelines, 2015. Collection method: clinical testing. Allele origin: germline.
Comment: This variant is classified as likely benign based on ACMG/AMP sequence variant interpretation guidelines (Richards et al. 2015 PMID: 25741868, with internal and published modifications).

Labcorp Genetics (formerly Invitae), Labcorp
Classification: Likely benign for Dilated cardiomyopathy 1G; Autosomal recessive limb-girdle muscular dystrophy type 2J. Last evaluated: 2026-02-01. Review status: criteria provided, single submitter. Criteria: Invitae Variant Classification Sherloc (09022015). Collection method: clinical testing. Allele origin: germline.

Ambry Genetics
Classification: Likely benign for Cardiovascular phenotype. Last evaluated: 2019-03-12. Review status: criteria provided, single submitter. Criteria: Ambry Variant Classification Scheme 2023. Collection method: clinical testing. Allele origin: germline.